The following is an entry in ClinVar:

ClinVar aggregate classification (germline): Pathogenic/Likely pathogenic. Review status: criteria provided, multiple submitters, no conflicts (2 of 4 stars). 4 submissions from 4 submitters: Pathogenic (1); Likely pathogenic (2). 1 of the submissions does not count toward it. Last evaluated 2024-05-23.

Conditions:
Metachromatic leukodystrophy (MLD). Also called: ARSA DEFICIENCY; CEREBROSIDE SULFATASE DEFICIENCY; METACHROMATIC LEUKOENCEPHALOPATHY; SULFATIDE LIPIDOSIS; Cerebral sclerosis diffuse metachromatic form; Arylsulfatase A Deficiency. Identifiers: Orphanet 512, MedGen C0023522, MONDO:0018868, OMIM 250100.

Submissions (4):

Fulgent Genetics
Classification: Likely pathogenic for Metachromatic leukodystrophy. Last evaluated: 2024-05-23. Review status: criteria provided, single submitter. Criteria: ACMG Guidelines, 2015. Collection method: clinical testing. Allele origin: germline.

Labcorp Genetics (formerly Invitae), Labcorp
Classification: Pathogenic for Metachromatic leukodystrophy. Last evaluated: 2023-11-24. Review status: criteria provided, single submitter. Criteria: Invitae Variant Classification Sherloc (09022015). Collection method: clinical testing. Allele origin: germline.
Comment: This sequence change creates a premature translational stop signal (p.Met254Aspfs*21) in the ARSA gene. It is expected to result in an absent or disrupted protein product. Loss-of-function variants in ARSA are known to be pathogenic (PMID: 8962139, 10477432). This variant is not present in population databases (gnomAD no frequency). This variant has not been reported in the literature in individuals affected with ARSA-related conditions. ClinVar contains an entry for this variant (Variation ID: 552751). For these reasons, this variant has been classified as Pathogenic.

Neuberg Centre For Genomic Medicine, NCGM
Classification: Likely pathogenic for Metachromatic leukodystrophy. Review status: criteria provided, single submitter. Criteria: ACMG Guidelines, 2015. Collection method: clinical testing. Allele origin: germline. Inheritance: Autosomal recessive inheritance. Affected: yes.
Comment: The frameshift variant c.758dup (p.Met254AspfsTer21) in ARSA gene has not been reported previously as a pathogenic variant nor as a benign variant, to our knowledge. It has been reported to ClinVar database as Likely Pathogenic, however details are not available for independent assessment. The p.Met254AspfsTer21 variant is novel (not in any individuals) in gnomAD Exomes and 1000 Genomes. Null variant (frame-shift), in gene ARSA for which loss-offunction is a known mechanism of disease. This variant causes a frameshift starting with codon Methionine 254, changes this amino acid to Aspartic Acid residue, and creates a premature Stop codon at position 21 of the new reading frame, denoted p.Met254AspfsTer21. For these reasons, this variant has been classified as Likely Pathogenic.

Counsyl
Classification: Likely pathogenic for Metachromatic leukodystrophy. Last evaluated: 2017-07-05. Review status: no assertion criteria provided. Collection method: clinical testing. Allele origin: unknown. Not counted in ClinVar's aggregate classification.

Literature cited by the submitters: PubMed 8962139 (cited by Labcorp Genetics (formerly Invitae), Labcorp); PubMed 10477432 (cited by Labcorp Genetics (formerly Invitae), Labcorp); PubMed 21167507 (cited by Counsyl).

NM_000487.6(ARSA):c.758dup (p.Met254fs)

Gene: ARSA (arylsulfatase A; minus strand). Cytogenetic location: 22q13.33.
Variant type: Duplication.
Coding change: c.758dup on transcript NM_000487.6 (MANE Select); coding-DNA position 758, one base duplicated (T; older notation c.758dupT).
Protein change: p.Met254fs; shifts the reading frame from methionine 254.
Molecular consequence: frameshift variant.
Genome position (GRCh38, 1-based): chr22:50,626,687, A duplicated on the plus strand (T on the coding strand, the reverse complement: ARSA is on the minus strand). VCF-style (leftmost placement, unchanged base first): chr22-50626686-C-CA. GRCh37 (hg19) VCF-style: chr22-51065114-C-CA.
Other names: c.758dupT (NM_000487.5); c.758dup, p.Met254fs (NM_001085425.3, NM_001085426.3, NM_001085427.3); c.500dup, p.Met168fs (NM_001085428.3, NM_001362782.2); short protein forms M168fs, M254fs.
Identifiers: ClinVar variation 552751 (VCV000552751.7), dbSNP rs74315270, ClinGen allele CA325531463.
Genomic context (GRCh38, chr22:50,626,686, plus strand): 5'-AAGCAGCCCCAGGTCCCCTATGGCTGTCATCAGGGTCCCCACAGCTGCATCCAGCTCCAT[C>CA]AGGGAGTCCCCAAATGGCCCGCGGCCTGAACGCTCTGCAAAGCTCTGCCCACTGAACTGA-3'